The following is an entry in ClinVar:

ClinVar aggregate classification (germline): Uncertain significance (1 of 4 stars; one submission).

Conditions:
Hereditary cancer-predisposing syndrome. Also called: Tumor predisposition; Hereditary neoplastic syndrome; Hereditary Cancer Syndrome; Neoplastic Syndromes, Hereditary. Identifiers: Orphanet 140162, MedGen C0027672, MeSH D009386, MONDO:0015356.

Submission:

Ambry Genetics
Classification: Uncertain significance for Hereditary cancer-predisposing syndrome. Last evaluated: 2023-09-27. Review status: criteria provided, single submitter. Criteria: Ambry Variant Classification Scheme 2023. Collection method: clinical testing. Allele origin: germline.
Comment: The p.H457D variant (also known as c.1369C>G), located in coding exon 6 of the BLM gene, results from a C to G substitution at nucleotide position 1369. The histidine at codon 457 is replaced by aspartic acid, an amino acid with similar properties. This amino acid position is conserved. In addition, this alteration is predicted to be tolerated by in silico analysis. Since supporting evidence is limited at this time, the clinical significance of this alteration remains unclear.

NM_000057.4(BLM):c.1369C>G (p.His457Asp)

Gene: BLM (BLM RecQ like helicase; plus strand). Cytogenetic location: 15q26.1.
Variant type: single nucleotide variant.
Coding change: c.1369C>G on transcript NM_000057.4 (MANE Select); coding-DNA position 1369, C replaced by G.
Protein change: p.His457Asp; replaces histidine 457 with aspartic acid.
Molecular consequence: missense variant.
Genome position (GRCh38, 1-based): chr15:90,760,742, C>G. VCF-style: chr15-90760742-C-G. GRCh37 (hg19) VCF-style: chr15-91303972-C-G.
Other names: c.1369C>G, p.His457Asp (NM_001287246.2, NM_001287247.2); c.244C>G, p.His82Asp (NM_001287248.2); short protein forms H457D, H82D.
Identifiers: ClinVar variation 3223905 (VCV003223905.1), dbSNP rs1895954255, ClinGen allele CA393842914.